The following is an entry in ClinVar:

NM_013275.6(ANKRD11):c.718G>A (p.Asp240Asn)

Gene: ANKRD11 (ankyrin repeat domain 11; minus strand). Cytogenetic location: 16q24.3.
Variant type: single nucleotide variant.
Coding change: c.718G>A on transcript NM_013275.6 (MANE Select); coding-DNA position 718, G replaced by A.
Protein change: p.Asp240Asn; replaces aspartic acid 240 with asparagine.
Molecular consequence: missense variant. On other transcripts: non-coding transcript variant (1).
Genome position (GRCh38, 1-based): chr16:89,288,554, C>T on the plus strand (G>A on the coding strand, the complement: ANKRD11 is on the minus strand). VCF-style: chr16-89288554-C-T. GRCh37 (hg19) VCF-style: chr16-89354962-C-T.
Other names: c.718G>A, p.Asp240Asn (NM_001256182.2, NM_001256183.2); short protein forms D240N.
Identifiers: ClinVar variation 1967736 (VCV001967736.5), dbSNP rs2544278709, ClinGen allele CA397166721.

ClinVar aggregate classification (germline): Uncertain significance (1 of 4 stars; one submission).

Conditions:
KBG syndrome (KBGS). Also called: ANKRD11-Related KBG Syndrome. Identifiers: Orphanet 2332, MedGen C0220687, MONDO:0007846, OMIM 148050.

Submission:

Labcorp Genetics (formerly Invitae), Labcorp
Classification: Uncertain significance for KBG syndrome. Last evaluated: 2023-01-27. Review status: criteria provided, single submitter. Criteria: Invitae Variant Classification Sherloc (09022015). Collection method: clinical testing. Allele origin: germline.
Comment: This sequence change replaces aspartic acid, which is acidic and polar, with asparagine, which is neutral and polar, at codon 240 of the ANKRD11 protein (p.Asp240Asn). This variant is not present in population databases (gnomAD no frequency). This variant has not been reported in the literature in individuals affected with ANKRD11-related conditions. Advanced modeling of protein sequence and biophysical properties (such as structural, functional, and spatial information, amino acid conservation, physicochemical variation, residue mobility, and thermodynamic stability) performed at Invitae indicates that this missense variant is not expected to disrupt ANKRD11 protein function. In summary, the available evidence is currently insufficient to determine the role of this variant in disease. Therefore, it has been classified as a Variant of Uncertain Significance.